The following is an entry in ClinVar:

ClinVar aggregate classification (germline): Uncertain significance (1 of 4 stars; one submission).

Conditions:
Joubert syndrome. Also called: Familial aplasia of the vermis; CEREBELLOPARENCHYMAL DISORDER IV; JOUBERT-BOLTSHAUSER SYNDROME. Identifiers: Orphanet 475, MedGen C5979921, MONDO:0018772.
Orofaciodigital syndrome I (OFD1). Also called: Papillon-Leage and Psaume Syndrome; Oral-Facial-Digital Syndrome Type I; OFDS I. Identifiers: Orphanet 2750, MedGen C1510460, MONDO:0010702, OMIM 311200.

Submissions (3):

Labcorp Genetics (formerly Invitae), Labcorp
Classification: Uncertain significance for Orofaciodigital syndrome I; Joubert syndrome. Last evaluated: 2022-06-27. Review status: criteria provided, single submitter. Criteria: Invitae Variant Classification Sherloc (09022015). Collection method: clinical testing. Allele origin: germline.
Comment: This variant is not present in population databases (gnomAD no frequency). In summary, the available evidence is currently insufficient to determine the role of this variant in disease. Therefore, it has been classified as a Variant of Uncertain Significance. Variants that disrupt the consensus splice site are a relatively common cause of aberrant splicing (PMID: 17576681, 9536098). Algorithms developed to predict the effect of sequence changes on RNA splicing suggest that this variant may disrupt the consensus splice site. ClinVar contains an entry for this variant (Variation ID: 1013691). This variant has been observed in individual(s) with clinical features of primary ciliary dyskinesia (Invitae). This sequence change affects codon 919 of the OFD1 mRNA. It is a 'silent' change, meaning that it does not change the encoded amino acid sequence of the OFD1 protein. This variant also falls at the last nucleotide of exon 20, which is part of the consensus splice site for this exon.

Dr. Peter K. Rogan Lab, Western University
No classification provided (evidence only). Condition: Thyroid cancer, nonmedullary, 1. Review status: no classification provided. Collection method: in vitro. Allele origin: not applicable. Functional consequence: skipped exon. Not counted in ClinVar's aggregate classification.

Dr. Peter K. Rogan Lab, Western University
No classification provided (evidence only). Condition: Thyroid cancer, nonmedullary, 1. Review status: no classification provided. Collection method: in vitro. Allele origin: not applicable. Functional consequence: skipped exon, retained intron. Not counted in ClinVar's aggregate classification.

Literature cited by the submitters: PubMed 17576681 (cited by Labcorp Genetics (formerly Invitae), Labcorp); PubMed 9536098 (cited by Labcorp Genetics (formerly Invitae), Labcorp).

NM_003611.3(OFD1):c.2757G>A (p.Arg919=)

Gene: OFD1 (OFD1 centriole and centriolar satellite protein; plus strand). Cytogenetic location: Xp22.2.
Variant type: single nucleotide variant.
Coding change: c.2757G>A on transcript NM_003611.3 (MANE Select); coding-DNA position 2757, G replaced by A.
Protein change: p.Arg919=; no amino-acid change (arginine 919 retained).
Molecular consequence: synonymous variant.
Genome position (GRCh38, 1-based): chrX:13,767,284, G>A. VCF-style: chrX-13767284-G-A. GRCh37 (hg19) VCF-style: chrX-13785403-G-A.
Other names: c.2637G>A, p.Arg879= (NM_001330209.2); c.2337G>A, p.Arg779= (NM_001330210.2).
Identifiers: ClinVar variation 1013691 (VCV001013691.10), dbSNP rs2048165288, ClinGen allele CA515457271.